The following is an entry in ClinVar:

NM_005739.4(RASGRP1):c.944A>G (p.His315Arg)

Gene: RASGRP1 (RAS guanyl releasing protein 1; minus strand). Cytogenetic location: 15q14.
Variant type: single nucleotide variant.
Coding change: c.944A>G on transcript NM_005739.4 (MANE Select); coding-DNA position 944, A replaced by G.
Protein change: p.His315Arg; replaces histidine 315 with arginine.
Molecular consequence: missense variant.
Genome position (GRCh38, 1-based): chr15:38,511,626, T>C on the plus strand (A>G on the coding strand, the complement: RASGRP1 is on the minus strand). VCF-style: chr15-38511626-T-C. GRCh37 (hg19) VCF-style: chr15-38803827-T-C.
Other names: c.944A>G, p.His315Arg (NM_001128602.2, NM_001306086.2); short protein forms H315R.
Identifiers: ClinVar variation 3715141 (VCV003715141.2).

ClinVar aggregate classification (germline): Uncertain significance (1 of 4 stars; one submission).

gnomAD v4.1: 56 of 1,613,332 alleles (0.0035%); highest among the groups gnomAD compares: Non-Finnish European, 0.0045%; no homozygotes.

Submission:

Labcorp Genetics (formerly Invitae), Labcorp
Classification: Uncertain significance. Last evaluated: 2025-04-27. Review status: criteria provided, single submitter. Criteria: Invitae Variant Classification Sherloc (09022015). Collection method: clinical testing. Allele origin: germline.
Comment: This sequence change replaces histidine, which is basic and polar, with arginine, which is basic and polar, at codon 315 of the RASGRP1 protein (p.His315Arg). This variant is present in population databases (rs373200131, gnomAD 0.004%). This variant has not been reported in the literature in individuals affected with RASGRP1-related conditions. ClinVar contains an entry for this variant (Variation ID: 3715141). Invitae Evidence Modeling of protein sequence and biophysical properties (such as structural, functional, and spatial information, amino acid conservation, physicochemical variation, residue mobility, and thermodynamic stability) indicates that this missense variant is not expected to disrupt RASGRP1 protein function with a negative predictive value of 80%. In summary, the available evidence is currently insufficient to determine the role of this variant in disease. Therefore, it has been classified as a Variant of Uncertain Significance.